The following is an entry in ClinVar:

ClinVar aggregate classification (germline): Likely benign (1 of 4 stars; one submission).

gnomAD v4.1: 16 of 1,502,328 alleles (0.0011%); highest among the groups gnomAD compares: South Asian, 0.0027%; no homozygotes.

Submission:

CeGaT Center for Human Genetics Tuebingen
Classification: Likely benign. Last evaluated: 2026-06-01. Review status: criteria provided, single submitter. Criteria: CeGaT Center For Human Genetics Tuebingen Variant Classification Criteria Version 2. Collection method: clinical testing. Allele origin: germline. Affected: yes. Observed: 1 variant allele.
Comment: SNX14: BP4, BP7

NM_153816.6(SNX14):c.453G>A (p.Pro151=)

Gene: SNX14 (sorting nexin 14; minus strand). Cytogenetic location: 6q14.3.
Variant type: single nucleotide variant.
Coding change: c.453G>A on transcript NM_153816.6 (MANE Select); coding-DNA position 453, G replaced by A.
Protein change: p.Pro151=; no amino-acid change (proline 151 retained).
Molecular consequence: synonymous variant. On other transcripts: 5 prime UTR variant (6), non-coding transcript variant (5), intron variant (8).
Genome position (GRCh38, 1-based): chr6:85,567,542, C>T on the plus strand (G>A on the coding strand, the complement: SNX14 is on the minus strand). VCF-style: chr6-85567542-C-T. GRCh37 (hg19) VCF-style: chr6-86277260-C-T.
Other names: c.453G>A, p.Pro151= (NM_001297614.3, NM_001350538.2, NM_001350540.2 and 1 more transcripts); c.297G>A, p.Pro99= (NM_001304479.2, NM_001350544.2); c.516G>A, p.Pro172= (NM_001350532.2); c.450G>A, p.Pro150= (NM_001350533.2, NM_001350534.2, NM_001350535.2); c.294G>A, p.Pro98= (NM_001350539.2); c.-513G>A (NM_001350547.2); c.-699G>A (NM_001350549.2, NM_001350550.2, NM_001350553.2); c.-614G>A (NM_001350551.2); and 7 more.
Identifiers: ClinVar variation 4874265 (VCV004874265.2).